The following is an entry in ClinVar:

NM_003803.4(MYOM1):c.2978A>C (p.Glu993Ala)

Gene: MYOM1 (myomesin 1; minus strand). Cytogenetic location: 18p11.31.
Variant type: single nucleotide variant.
Coding change: c.2978A>C on transcript NM_003803.4 (MANE Select); coding-DNA position 2978, A replaced by C.
Protein change: p.Glu993Ala; replaces glutamic acid 993 with alanine.
Molecular consequence: missense variant.
Genome position (GRCh38, 1-based): chr18:3,126,714, T>G on the plus strand (A>C on the coding strand, the complement: MYOM1 is on the minus strand). VCF-style: chr18-3126714-T-G. GRCh37 (hg19) VCF-style: chr18-3126712-T-G.
Other names: c.2690A>C, p.Glu897Ala (NM_019856.2); short protein forms E897A, E993A.
Identifiers: ClinVar variation 1798343 (VCV001798343.4), dbSNP rs780221650, ClinGen allele CA401708338.
Genomic context (GRCh38, chr18:3,126,714, plus strand): 5'-AGCGTCATACATAGGACACGCCACACTACAGAAAGTCACGTGCTTACCTTGTATGCCTCC[T>G]CACTGACAGCCTTGACATTGGCTTCTCTCCATTTTCCTGGTACCCCATCAATGACCTCGC-3'
Protein context (NP_003794.3, residues 983-1003): WREANVKAVS[Glu993Ala]EAYKISNLKE

ClinVar aggregate classification (germline): Uncertain significance. Review status: criteria provided, multiple submitters, no conflicts (2 of 4 stars). 2 submissions from 2 submitters: Uncertain significance (2). Last evaluated 2024-09-27.

Conditions:
Hypertrophic cardiomyopathy. Also called: HYPERTROPHIC MYOCARDIOPATHY. Identifiers: Orphanet 217569, MedGen C0007194, MeSH D002312, MONDO:0005045, HP:0001639.

Allele frequency attached by ClinVar (database versions not stated): TOPMed 0.00001.

Submissions (2):

Labcorp Genetics (formerly Invitae), Labcorp
Classification: Uncertain significance for Hypertrophic cardiomyopathy. Last evaluated: 2024-09-27. Review status: criteria provided, single submitter. Criteria: Invitae Variant Classification Sherloc (09022015). Collection method: clinical testing. Allele origin: germline.
Comment: This sequence change replaces glutamic acid, which is acidic and polar, with alanine, which is neutral and non-polar, at codon 993 of the MYOM1 protein (p.Glu993Ala). This variant is not present in population databases (gnomAD no frequency). This variant has not been reported in the literature in individuals affected with MYOM1-related conditions. ClinVar contains an entry for this variant (Variation ID: 1798343). Invitae Evidence Modeling of protein sequence and biophysical properties (such as structural, functional, and spatial information, amino acid conservation, physicochemical variation, residue mobility, and thermodynamic stability) indicates that this missense variant is not expected to disrupt MYOM1 protein function with a negative predictive value of 80%. In summary, the available evidence is currently insufficient to determine the role of this variant in disease. Therefore, it has been classified as a Variant of Uncertain Significance.

Ambry Genetics
Classification: Uncertain significance. Last evaluated: 2022-05-27. Review status: criteria provided, single submitter. Criteria: Ambry Variant Classification Scheme 2023. Collection method: clinical testing. Allele origin: germline.
Comment: The p.E993A variant (also known as c.2978A>C), located in coding exon 18 of the MYOM1 gene, results from an A to C substitution at nucleotide position 2978. The glutamic acid at codon 993 is replaced by alanine, an amino acid with dissimilar properties. This amino acid position is conserved. In addition, this alteration is predicted to be tolerated by in silico analysis. Since supporting evidence is limited at this time, the clinical significance of this alteration remains unclear.